The following is an entry in ClinVar:

ClinVar aggregate classification (germline): Uncertain significance (1 of 4 stars; one submission).

Conditions:
Idiopathic generalized epilepsy. Also called: EIG; Generalised epilepsy. Identifiers: MedGen C0270850, MONDO:0005579, OMIM 600669.
Hyperaldosteronism, familial, type IV (HALD4). Also called: FH IV; ALDOSTERONISM, PRIMARY, AND HYPERTENSION. Identifiers: Orphanet 642671, MedGen C4310756, MONDO:0014875, OMIM 617027.

Submission:

Labcorp Genetics (formerly Invitae), Labcorp
Classification: Uncertain significance for Idiopathic generalized epilepsy; Hyperaldosteronism, familial, type IV. Last evaluated: 2022-10-04. Review status: criteria provided, single submitter. Criteria: Invitae Variant Classification Sherloc (09022015). Collection method: clinical testing. Allele origin: germline.
Comment: In summary, the available evidence is currently insufficient to determine the role of this variant in disease. Therefore, it has been classified as a Variant of Uncertain Significance. Advanced modeling of protein sequence and biophysical properties (such as structural, functional, and spatial information, amino acid conservation, physicochemical variation, residue mobility, and thermodynamic stability) performed at Invitae indicates that this missense variant is not expected to disrupt CACNA1H protein function. This variant has not been reported in the literature in individuals affected with CACNA1H-related conditions. This variant is not present in population databases (gnomAD no frequency). This sequence change replaces glycine, which is neutral and non-polar, with tryptophan, which is neutral and slightly polar, at codon 2337 of the CACNA1H protein (p.Gly2337Trp).

NM_021098.3(CACNA1H):c.7009G>T (p.Gly2337Trp)

Gene: CACNA1H (calcium voltage-gated channel subunit alpha1 H; plus strand). Cytogenetic location: 16p13.3.
Variant type: single nucleotide variant.
Coding change: c.7009G>T on transcript NM_021098.3 (MANE Select); coding-DNA position 7009, G replaced by T.
Protein change: p.Gly2337Trp; replaces glycine 2337 with tryptophan.
Molecular consequence: missense variant.
Genome position (GRCh38, 1-based): chr16:1,220,941, G>T. VCF-style: chr16-1220941-G-T. GRCh37 (hg19) VCF-style: chr16-1270941-G-T.
Other names: c.6991G>T, p.Gly2331Trp (NM_001005407.2); short protein forms G2331W, G2337W.
Identifiers: ClinVar variation 2011617 (VCV002011617.4), dbSNP rs1970438704, ClinGen allele CA394151573.